The following is an entry in ClinVar:

ClinVar aggregate classification (germline): Uncertain significance (1 of 4 stars; one submission).

Conditions:
Spastic paraplegia. Identifiers: MedGen C0037772, HP:0001258.

Allele frequency attached by ClinVar (database versions not stated): gnomAD exomes below 0.00001; ExAC 0.00001.

Submission:

Labcorp Genetics (formerly Invitae), Labcorp
Classification: Uncertain significance for Spastic paraplegia. Last evaluated: 2019-07-24. Review status: criteria provided, single submitter. Criteria: Invitae Variant Classification Sherloc (09022015). Collection method: clinical testing. Allele origin: germline.
Comment: This variant has not been reported in the literature in individuals with B4GALNT1-related conditions. Algorithms developed to predict the effect of missense changes on protein structure and function (SIFT, PolyPhen-2, Align-GVGD) all suggest that this variant is likely to be disruptive, but these predictions have not been confirmed by published functional studies and their clinical significance is uncertain. In summary, the available evidence is currently insufficient to determine the role of this variant in disease. Therefore, it has been classified as a Variant of Uncertain Significance. This sequence change replaces glutamic acid with alanine at codon 375 of the B4GALNT1 protein (p.Glu375Ala). The glutamic acid residue is highly conserved and there is a moderate physicochemical difference between glutamic acid and alanine. This variant is present in population databases (rs754757482, ExAC 0.002%).

NM_001478.5(B4GALNT1):c.1124A>C (p.Glu375Ala)

Gene: B4GALNT1 (beta-1,4-N-acetyl-galactosaminyltransferase 1; minus strand). Cytogenetic location: 12q13.3.
Variant type: single nucleotide variant.
Coding change: c.1124A>C on transcript NM_001478.5 (MANE Select); coding-DNA position 1124, A replaced by C.
Protein change: p.Glu375Ala; replaces glutamic acid 375 with alanine.
Molecular consequence: missense variant.
Genome position (GRCh38, 1-based): chr12:57,628,141, T>G on the plus strand (A>C on the coding strand, the complement: B4GALNT1 is on the minus strand). VCF-style: chr12-57628141-T-G. GRCh37 (hg19) VCF-style: chr12-58021924-T-G.
Other names: c.959A>C, p.Glu320Ala (NM_001276468.2); short protein forms E375A, E320A.
Identifiers: ClinVar variation 947525 (VCV000947525.9), dbSNP rs754757482, ClinGen allele CA6655532.